The following is an entry in ClinVar:

ClinVar aggregate classification (germline): Uncertain significance (1 of 4 stars; one submission).

Allele frequency attached by ClinVar (database versions not stated): gnomAD exomes below 0.00001; ExAC 0.00001.
gnomAD v4.1: 1 of 1,613,870 alleles (0.000062%); highest among the groups gnomAD compares: Non-Finnish European, 0.000085%; no homozygotes.

Submission:

Labcorp Genetics (formerly Invitae), Labcorp
Classification: Uncertain significance. Last evaluated: 2022-12-13. Review status: criteria provided, single submitter. Criteria: Invitae Variant Classification Sherloc (09022015). Collection method: clinical testing. Allele origin: germline.
Comment: Algorithms developed to predict the effect of missense changes on protein structure and function are either unavailable or do not agree on the potential impact of this missense change (SIFT: "Deleterious"; PolyPhen-2: "Possibly Damaging"; Align-GVGD: "Class C0"). This variant has not been reported in the literature in individuals affected with AGAP1-related conditions. This variant is present in population databases (rs768319358, gnomAD 0.0009%). This sequence change replaces glycine, which is neutral and non-polar, with arginine, which is basic and polar, at codon 407 of the AGAP1 protein (p.Gly407Arg). In summary, the available evidence is currently insufficient to determine the role of this variant in disease. Therefore, it has been classified as a Variant of Uncertain Significance.

NM_001037131.3(AGAP1):c.1219G>A (p.Gly407Arg)

Gene: AGAP1 (ArfGAP with GTPase domain, ankyrin repeat and PH domain 1; plus strand). Cytogenetic location: 2q37.2.
Variant type: single nucleotide variant.
Coding change: c.1219G>A on transcript NM_001037131.3 (MANE Select); coding-DNA position 1219, G replaced by A.
Protein change: p.Gly407Arg; replaces glycine 407 with arginine.
Molecular consequence: missense variant.
Genome position (GRCh38, 1-based): chr2:235,908,801, G>A. VCF-style: chr2-235908801-G-A. GRCh37 (hg19) VCF-style: chr2-236817445-G-A.
Other names: c.1219G>A, p.Gly407Arg (NM_014914.5); short protein forms G407R.
Identifiers: ClinVar variation 2016030 (VCV002016030.4), dbSNP rs768319358, ClinGen allele CA2184779.